The following is an entry in ClinVar:

NM_000218.3(KCNQ1):c.1274T>G (p.Leu425Arg)

Gene: KCNQ1 (potassium voltage-gated channel subfamily Q member 1; plus strand). Cytogenetic location: 11p15.5.
Variant type: single nucleotide variant.
Coding change: c.1274T>G on transcript NM_000218.3 (MANE Select); coding-DNA position 1274, T replaced by G.
Protein change: p.Leu425Arg; replaces leucine 425 with arginine.
Molecular consequence: missense variant.
Genome position (GRCh38, 1-based): chr11:2,588,735, T>G. VCF-style: chr11-2588735-T-G. GRCh37 (hg19) VCF-style: chr11-2609965-T-G.
Other names: c.1178T>G, p.Leu393Arg (NM_001406836.1); c.1004T>G, p.Leu335Arg (NM_001406837.1); c.734T>G, p.Leu245Arg (NM_001406838.1); c.893T>G, p.Leu298Arg (NM_181798.2); short protein forms L245R, L298R, L335R, L425R, L393R.
Identifiers: ClinVar variation 4090688 (VCV004090688.1).
Genomic context (GRCh38, chr11:2,588,735, plus strand): 5'-GTCCAGGAACCGCTAATCTGTTGTCTTGTTTTTTTTAGGTAAAGAAAAAAAAGTTCAAGC[T>G]GGACAAAGACAATGGGGTGACTCCTGGAGAGAAGATGCTCACAGTCCCCCATATCACGTG-3'
Protein context (NP_000209.2, residues 415-435): SVVVKKKKFK[Leu425Arg]DKDNGVTPGE

ClinVar aggregate classification (germline): Uncertain significance (1 of 4 stars; one submission).

Conditions:
Cardiovascular phenotype. Identifiers: MedGen CN230736.

Submission:

Ambry Genetics
Classification: Uncertain significance for Cardiovascular phenotype. Last evaluated: 2025-06-26. Review status: criteria provided, single submitter. Criteria: Ambry Variant Classification Scheme 2023. Collection method: clinical testing. Allele origin: germline.
Comment: The p.L425R variant (also known as c.1274T>G), located in coding exon 10 of the KCNQ1 gene, results from a T to G substitution at nucleotide position 1274. The leucine at codon 425 is replaced by arginine, an amino acid with dissimilar properties. This amino acid position is well conserved in available vertebrate species. In addition, this alteration is predicted to be deleterious by in silico analysis. Based on the available evidence, the clinical significance of this variant remains unclear.